The following is an entry in ClinVar:

NC_000023.11:g.(?_32823275)_(32849840_?)del

Gene: DMD (dystrophin; minus strand). Cytogenetic location: Xp21.1.
Variant type: Deletion.
Identifiers: ClinVar variation 455846 (VCV000455846.1).

ClinVar aggregate classification (germline): Pathogenic (1 of 4 stars; one submission).

Conditions:
Duchenne muscular dystrophy (DMD). Also called: MUSCULAR DYSTROPHY, PSEUDOHYPERTROPHIC PROGRESSIVE, DUCHENNE TYPE; Duchenne Muscular Dystrophy (DMD). Identifiers: Orphanet 98896, MedGen C0013264, MONDO:0010679, OMIM 310200.

Submission:

Labcorp Genetics (formerly Invitae), Labcorp
Classification: Pathogenic for Duchenne muscular dystrophy. Last evaluated: 2017-10-20. Review status: criteria provided, single submitter. Criteria: Invitae Variant Classification Sherloc (09022015). Collection method: clinical testing. Allele origin: germline.
Comment: This variant is an in-frame deletion of the genomic region encompassing exons 3-5 of the DMD gene. It preserves the integrity of the reading frame. Deletion of exons 3-5 has been reported in individuals affected with Becker or Duchenne muscular dystrophy (PMID: 14977063, 24292997). For these reasons, this variant has been classified as Pathogenic.

Literature cited by the submitters: PubMed 14977063; PubMed 24292997.